The following is an entry in ClinVar:

NM_001267550.2(TTN):c.36936A>T (p.Lys12312Asn)

Gene: TTN (titin; minus strand). Cytogenetic location: 2q31.2.
Variant type: single nucleotide variant.
Coding change: c.36936A>T on transcript NM_001267550.2 (MANE Select); coding-DNA position 36936, A replaced by T.
Protein change: p.Lys12312Asn; replaces lysine 12312 with asparagine.
Molecular consequence: missense variant. On other transcripts: intron variant (5).
Genome position (GRCh38, 1-based): chr2:178,662,555, T>A on the plus strand (A>T on the coding strand, the complement: TTN is on the minus strand). VCF-style: chr2-178662555-T-A. GRCh37 (hg19) VCF-style: chr2-179527282-T-A.
Other names: c.13283-20238A>T (NM_003319.4); c.13859-20238A>T (NM_133437.4); c.13658-20238A>T (NM_133432.3); c.31573+411A>T (NM_133378.4); c.34354+411A>T (NM_001256850.1); short protein forms K12312N.
Identifiers: ClinVar variation 691750 (VCV000691750.26), dbSNP rs765517955, ClinGen allele CA1997328.

ClinVar aggregate classification (germline): Conflicting classifications of pathogenicity. Review status: criteria provided, conflicting classifications (1 of 4 stars). 3 submissions from 3 submitters: Uncertain significance (1); Likely benign (2). Last evaluated 2025-10-01.

Conditions:
Arrhythmogenic right ventricular cardiomyopathy (ARVD). Also called: Arrhythmogenic cardiomyopathy; Cardiomyopathy, ARVC; Arrhythmogenic right ventricular dysplasia; Arrhythmogenic Right Ventricular Cardiomyopathy (ARVC). Identifiers: Orphanet 247, MedGen C0349788, MeSH D019571, MONDO:0016587. Disease mechanism: loss of function. Inheritance: Various modes of inheritance.
TTN-related disorder. Also called: TTN-related disorders; TTN-related condition; TTN-related disease.

Allele frequency attached by ClinVar (database versions not stated): ExAC below 0.00001; gnomAD exomes 0.00013; gnomAD 0.00016.

Submissions (3):

CeGaT Center for Human Genetics Tuebingen
Classification: Likely benign. Last evaluated: 2025-10-01. Review status: criteria provided, single submitter. Criteria: CeGaT Center For Human Genetics Tuebingen Variant Classification Criteria Version 2. Collection method: clinical testing. Allele origin: germline. Affected: yes. Observed: 6 variant alleles.
Comment: TTN: BP4, BS2

PreventionGenetics, part of Exact Sciences
Classification: Uncertain significance for TTN-related condition. Last evaluated: 2025-09-03. Review status: criteria provided, single submitter. Criteria: ACMG Guidelines, 2015. Collection method: clinical testing. Allele origin: germline.
Comment: The TTN c.36936A>T variant is predicted to result in the amino acid substitution p.Lys12312Asn. To our knowledge, this variant has not been reported in the literature. This variant is reported in 0.046% of alleles in individuals of Latino descent in gnomAD. This variant falls within a highly paralogous region, and therefore allele frequency data should be interpreted with caution. At this time, the clinical significance of this variant is uncertain due to the absence of conclusive functional and genetic evidence.

Center for Advanced Laboratory Medicine, UC San Diego Health, University of California San Diego
Classification: Likely benign for Arrhythmogenic right ventricular cardiomyopathy. Last evaluated: 2017-02-02. Review status: criteria provided, single submitter. Criteria: ACMG Guidelines, 2015. Collection method: clinical testing. Allele origin: germline. Affected: yes. Observed: 1 variant allele.